The following is an entry in ClinVar:

ClinVar aggregate classification (germline): Conflicting classifications of pathogenicity. Review status: criteria provided, conflicting classifications (1 of 4 stars). 2 submissions from 2 submitters: Uncertain significance (1); Likely benign (1). Last evaluated 2026-05-13.

Conditions:
Familial thoracic aortic aneurysm and aortic dissection (TAAD). Also called: Thoracic aortic aneurysms and dissections. Identifiers: Orphanet 91387, MedGen C4707243, MONDO:0019625.
Ehlers-Danlos syndrome, classic type, 1 (EDSCL1). Also called: EDS I; EHLERS-DANLOS SYNDROME, GRAVIS TYPE; EHLERS-DANLOS SYNDROME, SEVERE CLASSIC TYPE; Ehlers-Danlos syndrome, type 1; Ehlers-Danlos Syndrome, Classic Type, COL5A1-Related. Identifiers: MedGen C0268335, MONDO:0019567, OMIM 130000.

Allele frequency attached by ClinVar (database versions not stated): TOPMed below 0.00001; gnomAD exomes 0.00001; gnomAD 0.00001.
gnomAD v4.1: 11 of 1,550,932 alleles (0.00071%); highest among the groups gnomAD compares: Non-Finnish European, 0.00096%; no homozygotes.

Submissions (2):

Ambry Genetics
Classification: Uncertain significance for Familial thoracic aortic aneurysm and aortic dissection. Last evaluated: 2026-05-13. Review status: criteria provided, single submitter. Criteria: Ambry Variant Classification Scheme 2023. Collection method: clinical testing. Allele origin: germline.
Comment: The c.3869C>G (p.A1290G) alteration is located in exon 49 (coding exon 49) of the COL5A1 gene. This alteration results from a C to G substitution at nucleotide position 3869, causing the alanine (A) at amino acid position 1290 to be replaced by a glycine (G). Based on data from gnomAD, the G allele has an overall frequency of 0.001% (2/155330) total alleles studied. The highest observed frequency was 0.003% (2/59852) of European (non-Finnish) alleles. Based on insufficient or conflicting evidence, the clinical significance of this alteration remains unclear.

Labcorp Genetics (formerly Invitae), Labcorp
Classification: Likely benign for Ehlers-Danlos syndrome, classic type, 1. Last evaluated: 2025-12-26. Review status: criteria provided, single submitter. Criteria: Invitae Variant Classification Sherloc (09022015). Collection method: clinical testing. Allele origin: germline.

NM_000093.5(COL5A1):c.3869C>G (p.Ala1290Gly)

Gene: COL5A1 (collagen type V alpha 1 chain; plus strand). Cytogenetic location: 9q34.3.
Variant type: single nucleotide variant.
Coding change: c.3869C>G on transcript NM_000093.5 (MANE Select); coding-DNA position 3869, C replaced by G.
Protein change: p.Ala1290Gly; replaces alanine 1290 with glycine.
Molecular consequence: missense variant.
Genome position (GRCh38, 1-based): chr9:134,813,999, C>G. VCF-style: chr9-134813999-C-G. GRCh37 (hg19) VCF-style: chr9-137705845-C-G.
Other names: c.3869C>G, p.Ala1290Gly (NM_001278074.1); c.3869C>G (NM_000093.3); short protein forms A1290G.
Identifiers: ClinVar variation 3008367 (VCV003008367.5), dbSNP rs1387270096, ClinGen allele CA375455383.
Genomic context (GRCh38, chr9:134,813,999, plus strand): 5'-CGCGGTGCTCACCGCTGCCATAACCACATGCACTGTCTCCCTAGGGCGAGCCTGGCGAAG[C>G]AGGTGAGCCTGGCCTTCCGGGAGAAGGCGGCCCCCCGGTGAGTGAGCGGGCGCTGCGGGA-3'
Protein context (NP_000084.3, residues 1280-1300): AVGEKGEPGE[Ala1290Gly]GEPGLPGEGG